The following is an entry in ClinVar:

ClinVar aggregate classification (germline): Uncertain significance (1 of 4 stars; one submission).

Conditions:
Autosomal dominant Parkinson disease 8. Also called: LRRK2-Related Parkinson Disease; Parkinson disease 8; Parkinson disease 8, susceptibility to. Identifiers: Orphanet 411602, MedGen C1846862, MONDO:0011764, OMIM 607060.

Allele frequency attached by ClinVar (database versions not stated): gnomAD exomes below 0.00001; ExAC 0.00001; gnomAD 0.00001.
gnomAD v4.1: 9 of 1,612,362 alleles (0.00056%); highest among the groups gnomAD compares: Middle Eastern, 0.016%; no homozygotes.

Submission:

Labcorp Genetics (formerly Invitae), Labcorp
Classification: Uncertain significance for Autosomal dominant Parkinson disease 8. Last evaluated: 2023-10-22. Review status: criteria provided, single submitter. Criteria: Invitae Variant Classification Sherloc (09022015). Collection method: clinical testing. Allele origin: germline.
Comment: This sequence change replaces lysine, which is basic and polar, with glutamic acid, which is acidic and polar, at codon 1539 of the LRRK2 protein (p.Lys1539Glu). This variant is present in population databases (rs199777744, gnomAD 0.003%). This variant has not been reported in the literature in individuals affected with LRRK2-related conditions. Advanced modeling of protein sequence and biophysical properties (such as structural, functional, and spatial information, amino acid conservation, physicochemical variation, residue mobility, and thermodynamic stability) has been performed at Invitae for this missense variant, however the output from this modeling did not meet the statistical confidence thresholds required to predict the impact of this variant on LRRK2 protein function. In summary, the available evidence is currently insufficient to determine the role of this variant in disease. Therefore, it has been classified as a Variant of Uncertain Significance.

NM_198578.4(LRRK2):c.4615A>G (p.Lys1539Glu)

Gene: LRRK2 (leucine rich repeat kinase 2; plus strand). Cytogenetic location: 12q12.
Variant type: single nucleotide variant.
Coding change: c.4615A>G on transcript NM_198578.4 (MANE Select); coding-DNA position 4615, A replaced by G.
Protein change: p.Lys1539Glu; replaces lysine 1539 with glutamic acid.
Molecular consequence: missense variant.
Genome position (GRCh38, 1-based): chr12:40,314,050, A>G. VCF-style: chr12-40314050-A-G. GRCh37 (hg19) VCF-style: chr12-40707852-A-G.
Other names: short protein forms K1539E.
Identifiers: ClinVar variation 2727895 (VCV002727895.3), dbSNP rs199777744, ClinGen allele CA6514233.